The following is an entry in ClinVar:

ClinVar aggregate classification (germline): Uncertain significance. Review status: criteria provided, multiple submitters, no conflicts (2 of 4 stars). 2 submissions from 2 submitters: Uncertain significance (2). Last evaluated 2024-06-26.

Conditions:
Van Maldergem syndrome 2 (VMLDS2). Identifiers: Orphanet 314679, MedGen C3809875, MONDO:0014242, OMIM 615546.
Hennekam lymphangiectasia-lymphedema syndrome 2 (HKLLS2). Identifiers: Orphanet 2136, MedGen C4014939, MONDO:0014454, OMIM 616006.

Allele frequency attached by ClinVar (database versions not stated): ExAC 0.00002; gnomAD 0.00003; TOPMed 0.00003; gnomAD exomes 0.00004; ESP Exome Variant Server 0.00008.
gnomAD v4.1: 63 of 1,613,768 alleles (0.0039%); highest among the groups gnomAD compares: African/African-American, 0.0067%; no homozygotes.

Submissions (2):

Labcorp Genetics (formerly Invitae), Labcorp
Classification: Uncertain significance. Last evaluated: 2024-06-26. Review status: criteria provided, single submitter. Criteria: Invitae Variant Classification Sherloc (09022015). Collection method: clinical testing. Allele origin: germline.
Comment: This sequence change replaces valine, which is neutral and non-polar, with isoleucine, which is neutral and non-polar, at codon 2728 of the FAT4 protein (p.Val2728Ile). This variant is present in population databases (rs369228145, gnomAD 0.01%). This variant has not been reported in the literature in individuals affected with FAT4-related conditions. ClinVar contains an entry for this variant (Variation ID: 1897460). Advanced modeling of protein sequence and biophysical properties (such as structural, functional, and spatial information, amino acid conservation, physicochemical variation, residue mobility, and thermodynamic stability) performed at Invitae indicates that this missense variant is not expected to disrupt FAT4 protein function with a negative predictive value of 80%. In summary, the available evidence is currently insufficient to determine the role of this variant in disease. Therefore, it has been classified as a Variant of Uncertain Significance.

Fulgent Genetics
Classification: Uncertain significance for Van Maldergem syndrome 2; Hennekam lymphangiectasia-lymphedema syndrome 2. Last evaluated: 2024-03-26. Review status: criteria provided, single submitter. Criteria: ACMG Guidelines, 2015. Collection method: clinical testing. Allele origin: germline.

NM_001291303.3(FAT4):c.8188G>A (p.Val2730Ile)

Gene: FAT4 (FAT atypical cadherin 4; plus strand). Cytogenetic location: 4q28.1.
Variant type: single nucleotide variant.
Coding change: c.8188G>A on transcript NM_001291303.3 (MANE Select); coding-DNA position 8188, G replaced by A.
Protein change: p.Val2730Ile; replaces valine 2730 with isoleucine.
Molecular consequence: missense variant.
Genome position (GRCh38, 1-based): chr4:125,449,198, G>A. VCF-style: chr4-125449198-G-A. GRCh37 (hg19) VCF-style: chr4-126370353-G-A.
Other names: c.8188G>A, p.Val2730Ile (NM_001291285.3); c.8182G>A, p.Val2728Ile (NM_024582.6); c.8182G>A (NM_024582.5); short protein forms V2730I, V2728I.
Identifiers: ClinVar variation 1897460 (VCV001897460.4), dbSNP rs369228145, ClinGen allele CA3073326.